The following is an entry in ClinVar:

NM_000535.7(PMS2):c.719T>A (p.Ile240Asn)

Gene: PMS2 (PMS1 homolog 2, mismatch repair system component; minus strand). Cytogenetic location: 7p22.1.
Variant type: single nucleotide variant.
Coding change: c.719T>A on transcript NM_000535.7 (MANE Select); coding-DNA position 719, T replaced by A.
Protein change: p.Ile240Asn; replaces isoleucine 240 with asparagine.
Molecular consequence: missense variant. On other transcripts: 5 prime UTR variant (2), non-coding transcript variant (1).
Genome position (GRCh38, 1-based): chr7:5,997,410, A>T on the plus strand (T>A on the coding strand, the complement: PMS2 is on the minus strand). VCF-style: chr7-5997410-A-T. GRCh37 (hg19) VCF-style: chr7-6037041-A-T.
Other names: c.314T>A, p.Ile105Asn (NM_001018040.1, NM_001322003.2, NM_001322004.2 and 20 more transcripts); c.719T>A, p.Ile240Asn (NM_001322006.2, NM_001322014.2, NM_001406870.1 and 3 more transcripts); c.401T>A, p.Ile134Asn (NM_001322007.2, NM_001322008.2, NM_001406876.1 and 4 more transcripts); c.-215T>A (NM_001322011.2, NM_001322012.2); c.146T>A, p.Ile49Asn (NM_001322013.2, NM_001406909.1); c.410T>A, p.Ile137Asn (NM_001322015.2, NM_001406875.1, NM_001406877.1 and 6 more transcripts); c.905T>A, p.Ile302Asn (NM_001406866.1); c.743T>A, p.Ile248Asn (NM_001406868.1); and 4 more; short protein forms I105N, I134N, I184N, I248N, I302N, I128N, I69N, I49N.
Identifiers: ClinVar variation 2016190 (VCV002016190.4), dbSNP rs2128788478, ClinGen allele CA366743773.

ClinVar aggregate classification (germline): Uncertain significance (1 of 4 stars; one submission).

Conditions:
Hereditary nonpolyposis colorectal neoplasms. Identifiers: MedGen C0009405, MeSH D003123.

Submission:

Labcorp Genetics (formerly Invitae), Labcorp
Classification: Uncertain significance for Hereditary nonpolyposis colorectal neoplasms. Last evaluated: 2025-07-30. Review status: criteria provided, single submitter. Criteria: Invitae Variant Classification Sherloc (09022015). Collection method: clinical testing. Allele origin: germline.
Comment: This sequence change replaces isoleucine, which is neutral and non-polar, with asparagine, which is neutral and polar, at codon 240 of the PMS2 protein (p.Ile240Asn). This variant is not present in population databases (gnomAD no frequency). This variant has not been reported in the literature in individuals affected with PMS2-related conditions. ClinVar contains an entry for this variant (Variation ID: 2016190). Invitae Evidence Modeling incorporating data from in vitro experimental studies (internal data) indicates that this missense variant is not expected to disrupt PMS2 function with a negative predictive value of 95%. In summary, the available evidence is currently insufficient to determine the role of this variant in disease. Therefore, it has been classified as a Variant of Uncertain Significance.